The following is an entry in ClinVar:

NM_000052.7(ATP7A):c.3949G>C (p.Ala1317Pro)

Gene: ATP7A (ATPase copper transporting alpha; plus strand). Cytogenetic location: Xq21.1.
Variant type: single nucleotide variant.
Coding change: c.3949G>C on transcript NM_000052.7 (MANE Select); coding-DNA position 3949, G replaced by C.
Protein change: p.Ala1317Pro; replaces alanine 1317 with proline.
Molecular consequence: missense variant. On other transcripts: non-coding transcript variant (1).
Genome position (GRCh38, 1-based): chrX:78,042,732, G>C. VCF-style: chrX-78042732-G-C. GRCh37 (hg19) VCF-style: chrX-77298230-G-C.
Other names: c.3715G>C, p.Ala1239Pro (NM_001282224.2); short protein forms A1239P, A1317P.
Identifiers: ClinVar variation 3753818 (VCV003753818.2).
Genomic context (GRCh38, chrX:78,042,732, plus strand): 5'-GCAATGGTGGGAGATGGAATCAATGACTCCCCAGCTCTGGCAATGGCTAATGTGGGAATT[G>C]CTATTGGCACAGGCACAGATGTAGCCATTGAAGCAGCTGATGTGGTTTTGATAAGGGTAA-3'
Protein context (NP_000043.4, residues 1307-1327): PALAMANVGI[Ala1317Pro]IGTGTDVAIE

ClinVar aggregate classification (germline): Uncertain significance (1 of 4 stars; one submission).

Conditions:
Menkes kinky-hair syndrome (MNK). Also called: Copper transport disease; Menkes Disease; Classic Menkes Disease. Identifiers: Orphanet 565, MedGen C0022716, MONDO:0010651, OMIM 309400.
X-linked distal spinal muscular atrophy type 3. Also called: ATP7A-Related Distal Motor Neuropathy; SPINAL MUSCULAR ATROPHY, DISTAL, X-LINKED RECESSIVE; NEURONOPATHY, DISTAL HEREDITARY MOTOR, X-LINKED; NEUROPATHY, DISTAL HEREDITARY MOTOR, X-LINKED. Identifiers: Orphanet 139557, MedGen C1845359, MONDO:0010338, OMIM 300489.
Cutis laxa, X-linked (OHS). Also called: EDS IX; Occipital horn syndrome. Identifiers: Orphanet 198, MedGen C0268353, MONDO:0010572, OMIM 304150.

Submission:

Labcorp Genetics (formerly Invitae), Labcorp
Classification: Uncertain significance for X-linked distal spinal muscular atrophy type 3; Cutis laxa, X-linked; Menkes kinky-hair syndrome. Last evaluated: 2024-07-19. Review status: criteria provided, single submitter. Criteria: Invitae Variant Classification Sherloc (09022015). Collection method: clinical testing. Allele origin: germline.
Comment: This sequence change replaces alanine, which is neutral and non-polar, with proline, which is neutral and non-polar, at codon 1317 of the ATP7A protein (p.Ala1317Pro). This variant is not present in population databases (gnomAD no frequency). This variant has not been reported in the literature in individuals affected with ATP7A-related conditions. Advanced modeling of protein sequence and biophysical properties (such as structural, functional, and spatial information, amino acid conservation, physicochemical variation, residue mobility, and thermodynamic stability) performed at Invitae indicates that this missense variant is expected to disrupt ATP7A protein function with a positive predictive value of 95%. In summary, the available evidence is currently insufficient to determine the role of this variant in disease. Therefore, it has been classified as a Variant of Uncertain Significance.